The following is an entry in ClinVar:

ClinVar aggregate classification (germline): Pathogenic (1 of 4 stars; one submission).

Conditions:
Peroxisome biogenesis disorder. Identifiers: Orphanet 79189, MedGen C1832200, MONDO:0019234. Disease mechanism: loss of function.

Submission:

Myriad Genetics, Inc.
Classification: Pathogenic for Peroxisome biogenesis disorder. Last evaluated: 2025-01-14. Review status: criteria provided, single submitter. Criteria: Myriad Autosomal Dominant, Autosomal Recessive and X-Linked Classification Criteria (2023). Collection method: clinical testing. Allele origin: unknown.
Comment: NM_153818.1(PEX10):c.357_360delTGAC(D120Pfs*32) is expected to be pathogenic in the context of peroxisome biogenesis disorder type 6. This variant is predicted to lead to an abnormal or absent protein product due to the creation of a premature termination codon in PEX10, a gene where loss-of-function variants are known to be pathogenic. Please note: this variant was assessed in the context of healthy population screening.

NM_002617.4(PEX10):c.357_360del (p.Asp120fs)

Gene: PEX10 (peroxisomal biogenesis factor 10; minus strand). Cytogenetic location: 1p36.32.
Variant type: Deletion.
Coding change: c.357_360del on transcript NM_002617.4 (MANE Select); coding-DNA positions 357 to 360, 4 bases deleted (TGAC; older notation c.357_360delTGAC).
Protein change: p.Asp120fs; shifts the reading frame from aspartic acid 120.
Molecular consequence: frameshift variant. On other transcripts: 5 prime UTR variant (2), non-coding transcript variant (1).
Genome position (GRCh38, 1-based): chr1:2,408,692-2,408,695, GTCA deleted on the plus strand (TGAC on the coding strand, the reverse complement: PEX10 is on the minus strand); deleting any 4 consecutive bases within chr1:2,408,692-2,408,696 gives the same sequence; the c. name uses the placement nearest the transcript's 3' end. VCF-style (leftmost placement, unchanged base first): chr1-2408691-GGTCA-G. GRCh37 (hg19) VCF-style: chr1-2340130-GGTCA-G.
Other names: c.357_360del, p.Asp120fs (NM_001374425.1, NM_153818.2); c.-76_-73del (NM_001374426.1, NM_001374427.1); short protein forms D120fs.
Identifiers: ClinVar variation 5013959 (VCV005013959.1).